The following is an entry in ClinVar:

NM_003482.4(KMT2D):c.3907G>C (p.Gly1303Arg)

Genes: KMT2D (lysine methyltransferase 2D; minus strand), LOC126861520 (CDK7 strongly-dependent group 2 enhancer GRCh37_chr12:49442744-49443943; plus strand). Cytogenetic location: 12q13.12.
Variant type: single nucleotide variant.
Coding change: c.3907G>C on transcript NM_003482.4 (MANE Select); coding-DNA position 3907, G replaced by C.
Protein change: p.Gly1303Arg; replaces glycine 1303 with arginine.
Molecular consequence: missense variant.
Genome position (GRCh38, 1-based): chr12:49,049,218, C>G on the plus strand (G>C on the coding strand, the complement: KMT2D is on the minus strand). VCF-style: chr12-49049218-C-G. GRCh37 (hg19) VCF-style: chr12-49443001-C-G.
Other names: short protein forms G1303R.
Identifiers: ClinVar variation 1311661 (VCV001311661.2), dbSNP rs1412482088, ClinGen allele CA384652130.

ClinVar aggregate classification (germline): Uncertain significance (1 of 4 stars; one submission).

Submission:

GeneDx
Classification: Uncertain significance. Last evaluated: 2019-12-30. Review status: criteria provided, single submitter. Criteria: GeneDx Variant Classification Process June 2021. Collection method: clinical testing. Allele origin: germline. Affected: yes.
Comment: Not observed in large population cohorts (Lek et al., 2016); In silico analysis, which includes protein predictors and evolutionary conservation, supports a deleterious effect; Has not been previously published as pathogenic or benign to our knowledge